The following is an entry in ClinVar:

ClinVar aggregate classification (germline): Conflicting classifications of pathogenicity. Review status: criteria provided, conflicting classifications (1 of 4 stars). 2 submissions from 2 submitters: Uncertain significance (1); Likely benign (1). Last evaluated 2026-05-04.

Conditions:
Epidermolysis bullosa simplex with nail dystrophy (EBS5D). Identifiers: MedGen C4225309, MONDO:0014661, OMIM 616487.
Epidermolysis bullosa simplex, Ogna type (EBS5A). Also called: Pidermolysis bullosa simplex 5A, Ogna type; EPIDERMOLYSIS BULLOSA SIMPLEX 5A, OGNA TYPE. Identifiers: Orphanet 79401, MedGen C0432317, MONDO:0007555, OMIM 131950.
Autosomal recessive limb-girdle muscular dystrophy type 2Q (LGMDR17). Also called: MUSCULAR DYSTROPHY, LIMB-GIRDLE, AUTOSOMAL RECESSIVE 17. Identifiers: Orphanet 254361, MedGen C3150989, MONDO:0013390, OMIM 613723.
Epidermolysis bullosa simplex 5B, with muscular dystrophy (EBS5B). Also called: EPIDERMOLYSIS BULLOSA SIMPLEX AND LIMB-GIRDLE MUSCULAR DYSTROPHY; Epidermolysis bullosa simplex with muscular dystrophy. Identifiers: Orphanet 257, MedGen C2931072, MONDO:0009181, OMIM 226670.
Epidermolysis bullosa simplex 5C, with pyloric atresia (EBS5C). Also called: PLEC-Related Epidermolysis Bullosa with Pyloric Atresia; Epidermolysis bullosa simplex with pyloric atresia; PLEC1-Related Epidermolysis Bullosa with Pyloric Atresia. Identifiers: Orphanet 158684, MedGen C2677349, MONDO:0012807, OMIM 612138.
Junctional epidermolysis bullosa with pyloric atresia. Also called: EPIDERMOLYSIS BULLOSA, JUNCTIONAL 5B, WITH PYLORIC ATRESIA; APLASIA CUTIS CONGENITA WITH GASTROINTESTINAL ATRESIA; CARMI SYNDROME; EB-PA-ACC; ITGB4-Related Epidermolysis Bullosa with Pyloric Atresia; Junctional Epidermolysis Bullosa- Pyloric Atresia Syndrome. Identifiers: Orphanet 79403, MedGen C5676875, MONDO:0009183, OMIM 226730.
PLEC-related disorder. Also called: PLEC-related condition; PLEC-related disorders.

gnomAD v4.1: 333 of 1,612,192 alleles (0.021%); highest among the groups gnomAD compares: East Asian, 0.72%; 3 homozygotes.

Submissions (2):

PreventionGenetics, part of Exact Sciences
Classification: Likely benign for PLEC-related condition. Last evaluated: 2026-05-04. Review status: criteria provided, single submitter. Criteria: ACMG Guidelines, 2015. Collection method: clinical testing. Allele origin: germline.
Comment: This variant is classified as likely benign based on ACMG/AMP sequence variant interpretation guidelines (Richards et al. 2015 PMID: 25741868, with internal and published modifications).

Department of Pathology and Laboratory Medicine, Sinai Health System
Classification: Uncertain significance for Epidermolysis bullosa simplex, Ogna type; Epidermolysis bullosa simplex 5B, with muscular dystrophy; Junctional epidermolysis bullosa with pyloric atresia; Epidermolysis bullosa simplex 5C, with pyloric atresia; Autosomal recessive limb-girdle muscular dystrophy type 2Q; Epidermolysis bullosa simplex with nail dystrophy. Last evaluated: 2022-06-27. Review status: criteria provided, single submitter. Criteria: ACMG Guidelines, 2015. Collection method: research. Allele origin: germline.

NM_201378.4(PLEC):c.71-5110G>T

Gene: PLEC (plectin; minus strand). Cytogenetic location: 8q24.3.
Variant type: single nucleotide variant.
Coding change: c.71-5110G>T on transcript NM_201378.4 (MANE Plus Clinical); 5110 bases into the intron before coding-DNA position 71, G replaced by T.
Molecular consequence: intron variant. On other transcripts: missense variant (1).
Genome position (GRCh38, 1-based): chr8:143,943,802, C>A on the plus strand (G>T on the coding strand, the complement: PLEC is on the minus strand). VCF-style: chr8-143943802-C-A. GRCh37 (hg19) VCF-style: chr8-145017970-C-A.
Other names: c.89G>T (NM_201382.3); c.89G>T, p.Arg30Leu (NM_201382.4); c.194-5110G>T (NM_001410941.1, NM_000445.5); c.47-5110G>T (NM_201379.3); c.524-5110G>T (NM_201380.4); c.16+846G>T (NM_201381.3); short protein forms R30L.
Identifiers: ClinVar variation 3892114 (VCV003892114.2).